The following is an entry in ClinVar:

ClinVar aggregate classification (germline): Likely pathogenic (1 of 4 stars; one submission).

Conditions:
Granulomatous disease, chronic, autosomal recessive, cytochrome b-positive, type 3. Also called: CGD, AUTOSOMAL RECESSIVE CYTOCHROME b-POSITIVE, TYPE III; GRANULOMATOUS DISEASE, CHRONIC, DUE TO NCF4 DEFICIENCY; Granulomatous disease, chronic, autosomal recessive, cytochrome b-positive, type III; GRANULOMATOUS DISEASE, CHRONIC, AUTOSOMAL RECESSIVE, 3. Identifiers: Orphanet 379, MedGen C3151409, MONDO:0013507, OMIM 613960.

Submission:

Juno Genomics, Hangzhou Juno Genomics, Inc
Classification: Likely pathogenic for Granulomatous disease, chronic, autosomal recessive, cytochrome b-positive, type 3. Review status: criteria provided, single submitter. Criteria: ACMG Guidelines, 2015. Collection method: clinical testing. Allele origin: germline.
Comment: Null variant in a gene where loss of function (LOF) is a known mechanism of disease.;Absent from controls (or at extremely low frequency if recessive) in Genome Aggregation Database.

NM_000631.5(NCF4):c.44del (p.Gln15fs)

Genes: NCF4 (neutrophil cytosolic factor 4; plus strand), NCF4-AS1 (NCF4 antisense RNA 1; minus strand). Cytogenetic location: 22q12.3.
Variant type: Deletion.
Coding change: c.44del on transcript NM_000631.5 (MANE Select); coding-DNA position 44, one base deleted (A; older notation c.44delA).
Protein change: p.Gln15fs; shifts the reading frame from glutamine 15.
Molecular consequence: frameshift variant.
Genome position (GRCh38, 1-based): chr22:36,864,056, A deleted. VCF-style (leftmost placement, unchanged base first): chr22-36864055-CA-C. GRCh37 (hg19) VCF-style: chr22-37260097-CA-C.
Other names: c.44del, p.Gln15fs (NM_013416.4); short protein forms Q15fs.
Identifiers: ClinVar variation 5006484 (VCV005006484.2).